The following is an entry in ClinVar:

NM_004044.7(ATIC):c.1227+2T>C

Gene: ATIC (5-aminoimidazole-4-carboxamide ribonucleotide formyltransferase/IMP cyclohydrolase; plus strand). Cytogenetic location: 2q35.
Variant type: single nucleotide variant.
Coding change: c.1227+2T>C on transcript NM_004044.7 (MANE Select); the canonical splice donor site of the intron after coding-DNA position 1227, T replaced by C.
Molecular consequence: splice donor variant.
Genome position (GRCh38, 1-based): chr2:215,338,909, T>C. VCF-style: chr2-215338909-T-C. GRCh37 (hg19) VCF-style: chr2-216203632-T-C.
Identifiers: ClinVar variation 4849484 (VCV004849484.1).

ClinVar aggregate classification (germline): Likely pathogenic (1 of 4 stars; one submission).

Conditions:
AICA-ribosiduria. Also called: AICA-ribosiduria due to ATIC deficiency; ATIC DEFICIENCY. Identifiers: Orphanet 250977, MedGen C1837530, MONDO:0012099, OMIM 608688.

Submission:

First Genomix Gene Laboratory, Genetic Diagnostics Department
Classification: Likely pathogenic for AICA-ribosiduria. Last evaluated: 2025-05-22. Review status: criteria provided, single submitter. Criteria: ACMG Guidelines, 2015. Collection method: clinical testing. Allele origin: germline. Inheritance: Autosomal recessive inheritance. Affected: no. Observed: 1 variant allele.